The following is an entry in ClinVar:

ClinVar aggregate classification (germline): Likely pathogenic (1 of 4 stars; one submission).

Allele frequency attached by ClinVar (database versions not stated): gnomAD exomes below 0.00001.
gnomAD v4.1: 1 of 1,612,392 alleles (0.000062%); highest among the groups gnomAD compares: Non-Finnish European, 0.000085%; no homozygotes.

Submission:

Labcorp Genetics (formerly Invitae), Labcorp
Classification: Likely pathogenic. Last evaluated: 2023-01-23. Review status: criteria provided, single submitter. Criteria: Invitae Variant Classification Sherloc (09022015). Collection method: clinical testing. Allele origin: germline.
Comment: Advanced modeling of protein sequence and biophysical properties (such as structural, functional, and spatial information, amino acid conservation, physicochemical variation, residue mobility, and thermodynamic stability) performed at Invitae indicates that this missense variant is expected to disrupt KCNJ11 protein function. This missense change has been observed in individuals with autosomal recessive congenital hyperinsulinism (PMID: 18596924, 24401662). This variant is not present in population databases (gnomAD no frequency). This sequence change replaces aspartic acid, which is acidic and polar, with glutamic acid, which is acidic and polar, at codon 204 of the KCNJ11 protein (p.Asp204Glu). Experimental studies have shown that this missense change affects KCNJ11 function (PMID: 18596924). In summary, the currently available evidence indicates that the variant is pathogenic, but additional data are needed to prove that conclusively. Therefore, this variant has been classified as Likely Pathogenic.

Literature cited by the submitters: PubMed 18596924; PubMed 24401662.

NM_000525.4(KCNJ11):c.612C>A (p.Asp204Glu)

Gene: KCNJ11 (potassium inwardly rectifying channel subfamily J member 11; minus strand). Cytogenetic location: 11p15.1.
Variant type: single nucleotide variant.
Coding change: c.612C>A on transcript NM_000525.4 (MANE Select); coding-DNA position 612, C replaced by A.
Protein change: p.Asp204Glu; replaces aspartic acid 204 with glutamic acid.
Molecular consequence: missense variant.
Genome position (GRCh38, 1-based): chr11:17,387,480, G>T on the plus strand (C>A on the coding strand, the complement: KCNJ11 is on the minus strand). VCF-style: chr11-17387480-G-T. GRCh37 (hg19) VCF-style: chr11-17409027-G-T.
Other names: c.351C>A, p.Asp117Glu (NM_001166290.2, NM_001377296.1, NM_001377297.1); short protein forms D117E, D204E.
Identifiers: ClinVar variation 2735540 (VCV002735540.3), dbSNP rs577757932, ClinGen allele CA218399743.